The following is an entry in ClinVar:

ClinVar aggregate classification (germline): Uncertain significance (1 of 4 stars; one submission).

Conditions:
Early-infantile DEE. Also called: Early infantile epileptic encephalopathy; Early infantile epileptic encephalopathy with suppression bursts; Ohtahara syndrome. Identifiers: Orphanet 1934, MedGen C0393706, MONDO:0800491.

Allele frequency attached by ClinVar (database versions not stated): gnomAD exomes 0.00002; gnomAD 0.00003; ExAC 0.00002.
gnomAD v4.1: 27 of 1,613,824 alleles (0.0017%); highest among the groups gnomAD compares: Non-Finnish European, 0.0016%; no homozygotes.

Submission:

Labcorp Genetics (formerly Invitae), Labcorp
Classification: Uncertain significance for Early-infantile DEE. Last evaluated: 2025-12-13. Review status: criteria provided, single submitter. Criteria: Invitae Variant Classification Sherloc (09022015). Collection method: clinical testing. Allele origin: germline.
Comment: This sequence change replaces methionine, which is neutral and non-polar, with valine, which is neutral and non-polar, at codon 936 of the SPTAN1 protein (p.Met936Val). This variant is present in population databases (rs755140657, gnomAD 0.01%). This variant has not been reported in the literature in individuals affected with SPTAN1-related conditions. ClinVar contains an entry for this variant (Variation ID: 2918861). Invitae Evidence Modeling of protein sequence and biophysical properties (such as structural, functional, and spatial information, amino acid conservation, physicochemical variation, residue mobility, and thermodynamic stability) has been performed for this missense variant. However, the output from this modeling did not meet the statistical confidence thresholds required to predict the impact of this variant on SPTAN1 protein function. In summary, the available evidence is currently insufficient to determine the role of this variant in disease. Therefore, it has been classified as a Variant of Uncertain Significance.

NM_001130438.3(SPTAN1):c.2806A>G (p.Met936Val)

Gene: SPTAN1 (spectrin alpha, non-erythrocytic 1; plus strand). Cytogenetic location: 9q34.11.
Variant type: single nucleotide variant.
Coding change: c.2806A>G on transcript NM_001130438.3 (MANE Select); coding-DNA position 2806, A replaced by G.
Protein change: p.Met936Val; replaces methionine 936 with valine.
Molecular consequence: missense variant.
Genome position (GRCh38, 1-based): chr9:128,587,633, A>G. VCF-style: chr9-128587633-A-G. GRCh37 (hg19) VCF-style: chr9-131349912-A-G.
Other names: c.2806A>G, p.Met936Val (NM_001195532.2, NM_001363759.2, NM_001363765.2 and 5 more transcripts); c.2842A>G, p.Met948Val (NM_001375312.2, NM_001375318.1); short protein forms M948V, M936V.
Identifiers: ClinVar variation 2918861 (VCV002918861.3), dbSNP rs755140657, ClinGen allele CA5264733.
Genomic context (GRCh38, chr9:128,587,633, plus strand): 5'-TGCACAGTGCTCCATGTGTGGTTTTGGTTTCAGGCTCTACTGAAGAAACACGAAGCTTTG[A>G]TGTCAGATCTCAGTGCCTACGGCAGCAGCATCCAGGCTTTGCGAGAACAAGCACAGTCCT-3'
Protein context (NP_001123910.1, residues 926-946): EALLKKHEAL[Met936Val]SDLSAYGSSI